The following is an entry in ClinVar:

NM_005202.4(COL8A2):c.*5C>T

Gene: COL8A2 (collagen type VIII alpha 2 chain; minus strand). Cytogenetic location: 1p34.3.
Variant type: single nucleotide variant.
Coding change: c.*5C>T on transcript NM_005202.4 (MANE Select); 5 bases downstream of the stop codon, C replaced by T.
Molecular consequence: 3 prime UTR variant.
Genome position (GRCh38, 1-based): chr1:36,097,564, G>A on the plus strand (C>T on the coding strand, the complement: COL8A2 is on the minus strand). VCF-style: chr1-36097564-G-A. GRCh37 (hg19) VCF-style: chr1-36563165-G-A.
Other names: c.*5C>T (NM_001294347.2).
Identifiers: ClinVar variation 3038139 (VCV003038139.3), dbSNP rs149180733, ClinGen allele CA764797.

ClinVar aggregate classification (germline): Likely benign. Review status: criteria provided, single submitter (1 of 4 stars). 2 submissions from 2 submitters: Likely benign (1). 1 of the submissions does not count toward it. Last evaluated 2024-11-21.

Conditions:
COL8A2-related disorder. Also called: COL8A2-related condition.

Allele frequency attached by ClinVar (database versions not stated): 1000 Genomes Project 30x 0.00031; 1000 Genomes Project 0.00040; ESP Exome Variant Server 0.00277.
gnomAD v4.1: 3,932 of 1,594,428 alleles (0.25%); highest among the groups gnomAD compares: Non-Finnish European, 0.31%; 6 homozygotes.

Submissions (2):

Blueprint Genetics
Classification: Likely benign. Last evaluated: 2024-11-21. Review status: criteria provided, single submitter. Criteria: ACMG Guidelines, 2015. Collection method: clinical testing. Allele origin: germline.

PreventionGenetics, part of Exact Sciences
Classification: Likely benign for COL8A2-related condition. Last evaluated: 2019-05-06. Review status: no assertion criteria provided. Collection method: clinical testing. Allele origin: germline. Not counted in ClinVar's aggregate classification.
Comment: This variant is classified as likely benign based on ACMG/AMP sequence variant interpretation guidelines (Richards et al. 2015 PMID: 25741868, with internal and published modifications).